The following is an entry in ClinVar:

NM_020461.4(TUBGCP6):c.1588G>A (p.Glu530Lys)

Gene: TUBGCP6 (tubulin gamma complex component 6; minus strand). Cytogenetic location: 22q13.33.
Variant type: single nucleotide variant.
Coding change: c.1588G>A on transcript NM_020461.4 (MANE Select); coding-DNA position 1588, G replaced by A.
Protein change: p.Glu530Lys; replaces glutamic acid 530 with lysine.
Molecular consequence: missense variant.
Genome position (GRCh38, 1-based): chr22:50,226,746, C>T on the plus strand (G>A on the coding strand, the complement: TUBGCP6 is on the minus strand). VCF-style: chr22-50226746-C-T. GRCh37 (hg19) VCF-style: chr22-50665175-C-T.
Other names: short protein forms E530K.
Identifiers: ClinVar variation 952574 (VCV000952574.7), dbSNP rs150802932, ClinGen allele CA10308620.

ClinVar aggregate classification (germline): Conflicting classifications of pathogenicity. Review status: criteria provided, conflicting classifications (1 of 4 stars). 4 submissions from 4 submitters: Uncertain significance (2); Likely benign (2). Last evaluated 2024-07-18.

Conditions:
Inborn genetic diseases. Identifiers: MedGen C0950123, MeSH D030342.

Allele frequency attached by ClinVar (database versions not stated): gnomAD 0.00034 and 0.00035; TOPMed 0.00034; gnomAD exomes 0.00039 and 0.00061; ESP Exome Variant Server 0.00062; ExAC 0.00094.

Submissions (4):

Blueprint Genetics
Classification: Likely benign. Last evaluated: 2024-07-18. Review status: criteria provided, single submitter. Criteria: ACMG Guidelines, 2015. Collection method: clinical testing. Allele origin: germline.

Ambry Genetics
Classification: Likely benign for Inborn genetic diseases. Last evaluated: 2024-05-03. Review status: criteria provided, single submitter. Criteria: Ambry Variant Classification Scheme 2023. Collection method: clinical testing. Allele origin: germline.

Labcorp Genetics (formerly Invitae), Labcorp
Classification: Uncertain significance. Last evaluated: 2022-10-13. Review status: criteria provided, single submitter. Criteria: Invitae Variant Classification Sherloc (09022015). Collection method: clinical testing. Allele origin: germline.
Comment: This sequence change replaces glutamic acid, which is acidic and polar, with lysine, which is basic and polar, at codon 530 of the TUBGCP6 protein (p.Glu530Lys). This variant is present in population databases (rs150802932, gnomAD 0.07%). This variant has not been reported in the literature in individuals affected with TUBGCP6-related conditions. ClinVar contains an entry for this variant (Variation ID: 952574). Algorithms developed to predict the effect of missense changes on protein structure and function are either unavailable or do not agree on the potential impact of this missense change (SIFT: "Tolerated"; PolyPhen-2: "Possibly Damaging"; Align-GVGD: "Class C0"). In summary, the available evidence is currently insufficient to determine the role of this variant in disease. Therefore, it has been classified as a Variant of Uncertain Significance.

GeneDx
Classification: Uncertain significance. Last evaluated: 2022-05-25. Review status: criteria provided, single submitter. Criteria: GeneDx Variant Classification Process June 2021. Collection method: clinical testing. Allele origin: germline. Affected: yes.
Comment: In silico analysis supports that this missense variant has a deleterious effect on protein structure/function; Has not been previously published as pathogenic or benign to our knowledge